The following is an entry in ClinVar:

ClinVar aggregate classification (germline): Uncertain significance (1 of 4 stars; one submission).

Allele frequency attached by ClinVar (database versions not stated): gnomAD exomes 0.00001.
gnomAD v4.1: 10 of 1,576,806 alleles (0.00063%); highest among the groups gnomAD compares: Non-Finnish European, 0.00086%; no homozygotes.

Submission:

Labcorp Genetics (formerly Invitae), Labcorp
Classification: Uncertain significance. Last evaluated: 2023-10-04. Review status: criteria provided, single submitter. Criteria: Invitae Variant Classification Sherloc (09022015). Collection method: clinical testing. Allele origin: germline.
Comment: This sequence change replaces serine, which is neutral and polar, with alanine, which is neutral and non-polar, at codon 11 of the NR2E3 protein (p.Ser11Ala). This variant is not present in population databases (gnomAD no frequency). This variant has not been reported in the literature in individuals affected with NR2E3-related conditions. Advanced modeling of protein sequence and biophysical properties (such as structural, functional, and spatial information, amino acid conservation, physicochemical variation, residue mobility, and thermodynamic stability) has been performed at Invitae for this missense variant, however the output from this modeling did not meet the statistical confidence thresholds required to predict the impact of this variant on NR2E3 protein function. In summary, the available evidence is currently insufficient to determine the role of this variant in disease. Therefore, it has been classified as a Variant of Uncertain Significance.

NM_014249.4(NR2E3):c.31T>G (p.Ser11Ala)

Gene: NR2E3 (nuclear receptor subfamily 2 group E member 3; plus strand). Cytogenetic location: 15q23.
Variant type: single nucleotide variant.
Coding change: c.31T>G on transcript NM_014249.4 (MANE Select); coding-DNA position 31, T replaced by G.
Protein change: p.Ser11Ala; replaces serine 11 with alanine.
Molecular consequence: missense variant.
Genome position (GRCh38, 1-based): chr15:71,810,774, T>G. VCF-style: chr15-71810774-T-G. GRCh37 (hg19) VCF-style: chr15-72103114-T-G.
Other names: c.31T>G, p.Ser11Ala (NM_016346.4); short protein forms S11A.
Identifiers: ClinVar variation 2989726 (VCV002989726.3), dbSNP rs2054171751, ClinGen allele CA393031462.